The following is an entry in ClinVar:

NM_005515.4(MNX1):c.658G>A (p.Gly220Ser)

Gene: MNX1 (motor neuron and pancreas homeobox 1; minus strand). Cytogenetic location: 7q36.3.
Variant type: single nucleotide variant.
Coding change: c.658G>A on transcript NM_005515.4 (MANE Select); coding-DNA position 658, G replaced by A.
Protein change: p.Gly220Ser; replaces glycine 220 with serine.
Molecular consequence: missense variant.
Genome position (GRCh38, 1-based): chr7:157,009,693, C>T on the plus strand (G>A on the coding strand, the complement: MNX1 is on the minus strand). VCF-style: chr7-157009693-C-T. GRCh37 (hg19) VCF-style: chr7-156802387-C-T.
Other names: short protein forms G220S.
Identifiers: ClinVar variation 2881783 (VCV002881783.3), dbSNP rs2537779925, ClinGen allele CA370163845.

ClinVar aggregate classification (germline): Uncertain significance (1 of 4 stars; one submission).

Submission:

Labcorp Genetics (formerly Invitae), Labcorp
Classification: Uncertain significance. Last evaluated: 2023-10-13. Review status: criteria provided, single submitter. Criteria: Invitae Variant Classification Sherloc (09022015). Collection method: clinical testing. Allele origin: germline.
Comment: This sequence change replaces glycine, which is neutral and non-polar, with serine, which is neutral and polar, at codon 220 of the MNX1 protein (p.Gly220Ser). This variant is not present in population databases (gnomAD no frequency). This variant has not been reported in the literature in individuals affected with MNX1-related conditions. Advanced modeling of protein sequence and biophysical properties (such as structural, functional, and spatial information, amino acid conservation, physicochemical variation, residue mobility, and thermodynamic stability) performed at Invitae indicates that this missense variant is expected to disrupt MNX1 protein function. In summary, the available evidence is currently insufficient to determine the role of this variant in disease. Therefore, it has been classified as a Variant of Uncertain Significance.